The following is an entry in ClinVar:

ClinVar aggregate classification (germline): Uncertain significance. Review status: criteria provided, single submitter (1 of 4 stars). 2 submissions from 2 submitters: Uncertain significance (1). 1 of the submissions does not count toward it. Last evaluated 2025-04-02.

Conditions:
3-methylglutaconic aciduria, type VIIB (MGCA7B). Also called: CLPB Deficiency; 3-methylglutaconic aciduria with cataracts, neurologic involvement and neutropenia; 3-methylglutaconic aciduria, type VII, with cataracts, neurologic involvement and neutropenia. Identifiers: Orphanet 445038, MedGen C5676893, MONDO:0014561, OMIM 616271.

Allele frequency attached by ClinVar (database versions not stated): TOPMed below 0.00001; ExAC 0.00001; gnomAD exomes 0.00001.
gnomAD v4.1: 13 of 1,614,164 alleles (0.00081%); highest among the groups gnomAD compares: Middle Eastern, 0.016%; no homozygotes.

Submissions (2):

Labcorp Genetics (formerly Invitae), Labcorp
Classification: Uncertain significance for 3-methylglutaconic aciduria, type VIIB. Last evaluated: 2025-04-02. Review status: criteria provided, single submitter. Criteria: Invitae Variant Classification Sherloc (09022015). Collection method: clinical testing. Allele origin: germline.
Comment: This sequence change replaces glutamic acid, which is acidic and polar, with lysine, which is basic and polar, at codon 501 of the CLPB protein (p.Glu501Lys). This variant is present in population databases (rs748915609, gnomAD 0.002%). This missense change has been observed in individual(s) with CLPB deficiency who had two additional pathogenic variants in CLPB (PMID: 25597510). ClinVar contains an entry for this variant (Variation ID: 279608). An algorithm developed to predict the effect of missense changes on protein structure and function (PolyPhen-2) suggests that this variant is likely to be disruptive. In summary, the available evidence is currently insufficient to determine the role of this variant in disease. Therefore, it has been classified as a Variant of Uncertain Significance.

GeneReviews
No classification provided. Condition: 3-methylglutaconic aciduria, type VIIB. Review status: no classification provided. Collection method: literature only. Allele origin: germline. Affected: yes. Not counted in ClinVar's aggregate classification.

Literature cited by the submitters: PubMed 25597510 (cited by Labcorp Genetics (formerly Invitae), Labcorp and GeneReviews); NCBI Bookshelf NBK396257 (cited by GeneReviews).

NM_001258392.3(CLPB):c.1411G>A (p.Glu471Lys)

Gene: CLPB (ClpB family mitochondrial disaggregase; minus strand). Cytogenetic location: 11q13.4.
Variant type: single nucleotide variant.
Coding change: c.1411G>A on transcript NM_001258392.3 (MANE Select); coding-DNA position 1411, G replaced by A.
Protein change: p.Glu471Lys; replaces glutamic acid 471 with lysine.
Molecular consequence: missense variant.
Genome position (GRCh38, 1-based): chr11:72,295,567, C>T on the plus strand (G>A on the coding strand, the complement: CLPB is on the minus strand). VCF-style: chr11-72295567-C-T. GRCh37 (hg19) VCF-style: chr11-72006611-C-T.
Other names: c.1324G>A, p.Glu442Lys (NM_001258393.3); c.1366G>A, p.Glu456Lys (NM_001258394.3); c.1501G>A, p.Glu501Lys (NM_030813.6); short protein forms E501K, E471K, E456K, E442K.
Identifiers: ClinVar variation 279608 (VCV000279608.7), dbSNP rs748915609, ClinGen allele CA6171176.